The following is an entry in ClinVar:

NM_005045.4(RELN):c.3562G>A (p.Ala1188Thr)

Gene: RELN (reelin; minus strand). Cytogenetic location: 7q22.1.
Variant type: single nucleotide variant.
Coding change: c.3562G>A on transcript NM_005045.4 (MANE Select); coding-DNA position 3562, G replaced by A.
Protein change: p.Ala1188Thr; replaces alanine 1188 with threonine.
Molecular consequence: missense variant.
Genome position (GRCh38, 1-based): chr7:103,594,470, C>T on the plus strand (G>A on the coding strand, the complement: RELN is on the minus strand). VCF-style: chr7-103594470-C-T. GRCh37 (hg19) VCF-style: chr7-103234917-C-T.
Other names: c.3562G>A, p.Ala1188Thr (NM_173054.3); short protein forms A1188T.
Identifiers: ClinVar variation 1350131 (VCV001350131.8), dbSNP rs2117250423, ClinGen allele CA368759152.
Genomic context (GRCh38, chr7:103,594,470, plus strand): 5'-CCTCCCCTGAGAACACGGGCTGCCACCAGCGGAACCTGGTGCAAGGGGTCTTGGCAGCAG[C>T]TGGAAGCTCCAGATAGACAAATCTGAATAAAAGTAAATCATTTACGGTTGGGAAAACAAA-3'
Protein context (NP_005036.2, residues 1178-1198): KPRFVYLELP[Ala1188Thr]AAKTPCTRFR

ClinVar aggregate classification (germline): Uncertain significance (1 of 4 stars; one submission).

Conditions:
Norman-Roberts syndrome (LIS2). Also called: Lissencephaly 2 (Norman-Roberts type). Identifiers: Orphanet 89844, MedGen C0796089, MONDO:0009760, OMIM 257320.
Familial temporal lobe epilepsy 7. Identifiers: Orphanet 101046, MedGen C4225327, MONDO:0014639, OMIM 616436.

Submission:

Labcorp Genetics (formerly Invitae), Labcorp
Classification: Uncertain significance for Familial temporal lobe epilepsy 7; Norman-Roberts syndrome. Last evaluated: 2020-11-22. Review status: criteria provided, single submitter. Criteria: Invitae Variant Classification Sherloc (09022015). Collection method: clinical testing. Allele origin: germline.
Comment: This sequence change replaces alanine with threonine at codon 1188 of the RELN protein (p.Ala1188Thr). The alanine residue is highly conserved and there is a small physicochemical difference between alanine and threonine. This variant is not present in population databases (ExAC no frequency). This variant has not been reported in the literature in individuals with RELN-related conditions. Algorithms developed to predict the effect of missense changes on protein structure and function output the following: SIFT: "Tolerated"; PolyPhen-2: "Benign"; Align-GVGD: "Class C0". The threonine amino acid residue is found in multiple mammalian species, suggesting that this missense change does not adversely affect protein function. These predictions have not been confirmed by published functional studies and their clinical significance is uncertain. In summary, the available evidence is currently insufficient to determine the role of this variant in disease. Therefore, it has been classified as a Variant of Uncertain Significance.